The following is an entry in ClinVar:

ClinVar aggregate classification (germline): Likely pathogenic (1 of 4 stars; one submission).

Submission:

Dasa
Classification: Likely pathogenic. Last evaluated: 2025-09-03. Review status: criteria provided, single submitter. Criteria: DASA Assertion Criteria. Collection method: clinical testing. Allele origin: germline.
Comment: NM_001849.4(COL6A2):c.1412del (p.Pro471Leufs*74) is a frameshift variant in COL6A2 predicted to alter the reading frame and introduce a premature termination codon and is predicted to result in an absent or altered protein product. Loss of function is an established disease mechanism for COL6A2-associated disorders. Also, this variant is rare in population databases. Based on the currently available evidence, this variant is classified as likely pathogenic.

NM_001849.4(COL6A2):c.1412del (p.Pro471fs)

Gene: COL6A2 (collagen type VI alpha 2 chain; plus strand). Cytogenetic location: 21q22.3.
Variant type: Deletion.
Coding change: c.1412del on transcript NM_001849.4 (MANE Select); coding-DNA position 1412, one base deleted (C; older notation c.1412delC).
Protein change: p.Pro471fs; shifts the reading frame from proline 471.
Molecular consequence: frameshift variant.
Genome position (GRCh38, 1-based): chr21:46,121,077, C deleted; the last of 2 consecutive C bases (chr21:46,121,076-46,121,077); deleting either gives the same sequence. VCF-style (leftmost placement, unchanged base first): chr21-46121075-GC-G. GRCh37 (hg19) VCF-style: chr21-47540989-GC-G.
Other names: c.1412del, p.Pro471fs (NM_058174.3, NM_058175.3); short protein forms P471fs.
Identifiers: ClinVar variation 4852723 (VCV004852723.2).